The following is an entry in ClinVar:

ClinVar aggregate classification (germline): Likely pathogenic (1 of 4 stars; one submission).

Conditions:
Oculocutaneous albinism type 1B (OCA1B). Also called: ALBINISM, OCULOCUTANEOUS, TYPE IB; ALBINISM, YELLOW MUTANT TYPE; YELLOW ALBINISM. Identifiers: Orphanet 352731, Orphanet 352737, Orphanet 79434, MedGen C1847024, MONDO:0011749, OMIM 606952.
Oculocutaneous albinism type 1A (OCA1A). Also called: Albinism, oculocutaneous, type IA. Identifiers: Orphanet 352731, Orphanet 79431, MedGen C4551504, MONDO:0008745, OMIM 203100. Disease mechanism: loss of function.

Submission:

Laboratory of Genetic Epidemiology, Research Centre for Medical Genetics
Classification: Likely pathogenic for Oculocutaneous albinism type 1A; Oculocutaneous albinism type 1B. Last evaluated: 2025-01-01. Review status: criteria provided, single submitter. Criteria: ACMG Guidelines, 2015. Collection method: clinical testing. Allele origin: paternal. Inheritance: Autosomal recessive inheritance. Affected: yes. Observed: 1 compound heterozygote.
Comment: This variant has been previously reported in the literature (PMIDs: 25216246, 27537549, 27734839), and is listed in gnomAD v2.1.1 in one individual from South Asia (allele frequency is 0.000004). The affected amino acid position is lead to destruction one of the copper binding site (His202). The affected amino acid position is evolutionarily conserved, and multiple in silico prediction tools support a deleterious effect. Taken together, the variant meets the following ACMG/AMP criteria and can be classified as likely pathogenic with PM2, PM3, PM1, PP3, PP4 criteria.

Literature cited by the submitters: PubMed 25216246; PubMed 27537549; PubMed 27734839; PubMed 41428507.

NM_000372.5(TYR):c.605A>C (p.His202Pro)

Gene: TYR (tyrosinase; plus strand). Cytogenetic location: 11q14.3.
Variant type: single nucleotide variant.
Coding change: c.605A>C on transcript NM_000372.5 (MANE Select); coding-DNA position 605, A replaced by C.
Protein change: p.His202Pro; replaces histidine 202 with proline.
Molecular consequence: missense variant.
Genome position (GRCh38, 1-based): chr11:89,178,558, A>C. VCF-style: chr11-89178558-A-C. GRCh37 (hg19) VCF-style: chr11-88911726-A-C.
Other names: short protein forms H202P.
Identifiers: ClinVar variation 4077136 (VCV004077136.1).